The following is an entry in ClinVar:

NM_025074.7(FRAS1):c.11274C>A (p.His3758Gln)

Gene: FRAS1 (Fraser extracellular matrix complex subunit 1; plus strand). Cytogenetic location: 4q21.21.
Variant type: single nucleotide variant.
Coding change: c.11274C>A on transcript NM_025074.7 (MANE Select); coding-DNA position 11274, C replaced by A.
Protein change: p.His3758Gln; replaces histidine 3758 with glutamine.
Molecular consequence: missense variant.
Genome position (GRCh38, 1-based): chr4:78,537,176, C>A. VCF-style: chr4-78537176-C-A. GRCh37 (hg19) VCF-style: chr4-79458330-C-A.
Other names: c.11274C>A (NM_025074.6); short protein forms H3758Q.
Identifiers: ClinVar variation 2691567 (VCV002691567.5), dbSNP rs147719256, ClinGen allele CA2979181.

ClinVar aggregate classification (germline): Conflicting classifications of pathogenicity. Review status: criteria provided, conflicting classifications (1 of 4 stars). 3 submissions from 3 submitters: Uncertain significance (1); Likely benign (2). Last evaluated 2026-05-27.

Conditions:
FRAS1-related disorder. Also called: FRAS1-related condition.
Fraser syndrome 1 (FRASRS1). Also called: CRYPTOPHTHALMOS WITH OTHER MALFORMATIONS. Identifiers: Orphanet 2052, MedGen C4551480, MONDO:0054737, OMIM 219000.

Allele frequency attached by ClinVar (database versions not stated): gnomAD exomes 0.00006; ExAC 0.00010; ESP Exome Variant Server 0.00033; gnomAD 0.00048; TOPMed 0.00054; 1000 Genomes Project 0.00140; 1000 Genomes Project 30x 0.00172.
gnomAD v4.1: 154 of 1,613,922 alleles (0.0095%); highest among the groups gnomAD compares: African/African-American, 0.2%; no homozygotes.

Submissions (3):

PreventionGenetics, part of Exact Sciences
Classification: Likely benign for FRAS1-related condition. Last evaluated: 2026-05-27. Review status: criteria provided, single submitter. Criteria: ACMG Guidelines, 2015. Collection method: clinical testing. Allele origin: germline.
Comment: This variant is classified as likely benign based on ACMG/AMP sequence variant interpretation guidelines (Richards et al. 2015 PMID: 25741868, with internal and published modifications).

Fulgent Genetics
Classification: Uncertain significance for Fraser syndrome 1. Last evaluated: 2024-03-21. Review status: criteria provided, single submitter. Criteria: ACMG Guidelines, 2015. Collection method: clinical testing. Allele origin: germline.

Women's Health and Genetics/Laboratory Corporation of America, LabCorp
Classification: Likely benign. Last evaluated: 2023-12-08. Review status: criteria provided, single submitter. Criteria: LabCorp Variant Classification Summary - May 2015. Collection method: clinical testing. Allele origin: germline.
Comment: Variant summary: FRAS1 c.11274C>A (p.His3758Gln) results in a non-conservative amino acid change in the encoded protein sequence. Four of five in-silico tools predict a damaging effect of the variant on protein function. The variant allele was found at a frequency of 9.5e-05 in 1613922 control chromosomes, predominantly at a frequency of 0.002 within the African or African-American subpopulation in the gnomAD database. The observed variant frequency within African or African-American control individuals in the gnomAD database is approximately 1.13 fold of the estimated maximal expected allele frequency for a pathogenic variant in FRAS1 causing Cryptophthalmos Syndrome phenotype (0.0018), strongly suggesting that the variant is a benign polymorphism found primarily in populations of African or African-American origin. c.11274C>A has been reported in the literature in the heterozygous state in one individual affected with unilateral renal agenesis, with no second variant reported (Saisawat_2012). This report does not provide unequivocal conclusions about association of the variant with Cryptophthalmos Syndrome. To our knowledge, no experimental evidence demonstrating an impact on protein function has been reported. The following publication has been ascertained in the context of this evaluation (PMID: 21900877). No submitters have cited clinical-significance assessments for this variant to ClinVar after 2014. Based on the evidence outlined above, the variant was classified as likely benign.

Literature cited by the submitters: PubMed 21900877 (cited by Women's Health and Genetics/Laboratory Corporation of America, LabCorp).